The following is an entry in ClinVar:

NM_153766.3(KCNJ1):c.443G>A (p.Gly148Glu)

Gene: KCNJ1 (potassium inwardly rectifying channel subfamily J member 1; minus strand). Cytogenetic location: 11q24.3.
Variant type: single nucleotide variant.
Coding change: c.443G>A on transcript NM_153766.3 (MANE Select); coding-DNA position 443, G replaced by A.
Protein change: p.Gly148Glu; replaces glycine 148 with glutamic acid.
Molecular consequence: missense variant.
Genome position (GRCh38, 1-based): chr11:128,839,801, C>T on the plus strand (G>A on the coding strand, the complement: KCNJ1 is on the minus strand). VCF-style: chr11-128839801-C-T. GRCh37 (hg19) VCF-style: chr11-128709696-C-T.
Other names: c.500G>A, p.Gly167Glu (NM_000220.6); c.443G>A, p.Gly148Glu (NM_153764.3, NM_153767.4); c.494G>A, p.Gly165Glu (NM_153765.3); short protein forms G167E, G148E, G165E.
Identifiers: ClinVar variation 9160 (VCV000009160.6), dbSNP rs104894254, ClinGen allele CA120160.

ClinVar aggregate classification (germline): Likely pathogenic. Review status: criteria provided, multiple submitters, no conflicts (2 of 4 stars). 5 submissions from 5 submitters: Likely pathogenic (4). 1 of the submissions does not count toward it. Last evaluated 2026-07-07.

Conditions:
Bartter syndrome. Identifiers: Orphanet 112, MedGen C0004775, MONDO:0015231.
Bartter disease type 2. Also called: HYPERPROSTAGLANDIN E SYNDROME 2; HYPOKALEMIC ALKALOSIS WITH HYPERCALCIURIA 2, ANTENATAL; Bartter syndrome, type 2, antenatal. Identifiers: Orphanet 112, Orphanet 620220, MedGen C1855849, MONDO:0009424, OMIM 241200.

Allele frequency attached by ClinVar (database versions not stated): gnomAD exomes below 0.00001 and 0.00001; ExAC 0.00001.
gnomAD v4.1: 3 of 1,614,092 alleles (0.00019%); highest among the groups gnomAD compares: South Asian, 0.0022%; no homozygotes.

Submissions (5):

Medgenome Labs Ltd
Classification: Likely pathogenic for Bartter disease type 2. Last evaluated: 2026-07-07. Review status: criteria provided, single submitter. Criteria: ACMG Guidelines, 2015. Collection method: clinical testing. Allele origin: germline. Affected: yes.

Victorian Clinical Genetics Services, Murdoch Childrens Research Institute
Classification: Likely pathogenic for Bartter disease type 2. Last evaluated: 2025-05-06. Review status: criteria provided, single submitter. Criteria: ACMG Guidelines, 2015. Collection method: clinical testing. Allele origin: germline. Affected: yes.
Comment: This variant is classified as Likely pathogenic. Evidence in support of pathogenic classification: Variant is present in gnomAD <0.01 for a recessive condition (v4: 3 heterozygote(s), 0 homozygote(s)) ; This variant has strong previous evidence of pathogenicity in unrelated individuals. This variant has been reported in a homozygous state in individuals with Bartter's syndrome (PMID: 9002665, 9015377, 12911542, 37197039, 39862309). In addition, it has been classified as likely pathogenic by clinical laboratories (ClinVar); This variant has moderate functional evidence supporting abnormal protein function. Immunostaining showed no membrane localisation in both transfected Xenopus oocytes and HEK293 cells with this variant (PMID: 12911542). Additional information: Variant is predicted to result in a missense amino acid change from glycine to glutamic acid; This variant is homozygous; This gene is associated with autosomal recessive disease; No comparable missense variants have previous evidence for pathogenicity; Variant is located in the annotated inward rectifier potassium channel transmembrane domain (DECIPHER); Missense variant with inconclusive in silico prediction and uninformative conservation; Loss of function is a known mechanism of disease in this gene and is associated with Bartter syndrome, type 2 (MIM#241200); Inheritance information for this variant is not currently available in this individual.

Women's Health and Genetics/Laboratory Corporation of America, LabCorp
Classification: Likely pathogenic for Bartter syndrome. Last evaluated: 2024-04-08. Review status: criteria provided, single submitter. Criteria: LabCorp Variant Classification Summary - May 2015. Collection method: clinical testing. Allele origin: germline.
Comment: Variant summary: KCNJ1 c.500G>A (p.Gly167Glu) results in a non-conservative amino acid change located in the Potassium channel, inwardly rectifying, transmembrane domain (IPR040445) of the encoded protein sequence. Five of five in-silico tools predict a damaging effect of the variant on protein function. The variant allele was found at a frequency of 1.2e-05 in 251318 control chromosomes. c.500G>A has been reported in the literature as a biallelic homozygous genotype in at-least two cases of individuals affected with antenatal and adult onset Bartter Syndrome, Type 2 respectively (example, Karolyi_1997, Gaggar_2023). These data indicate that the variant is likely to be associated with disease. To our knowledge, no variant specific experimental evidence demonstrating an impact on protein function has been reported. The following publications have been ascertained in the context of this evaluation (PMID: 37197039, 32251469, 9002665). ClinVar contains an entry for this variant (Variation ID: 9160). Based on the evidence outlined above, the variant was classified as likely pathogenic.

Fulgent Genetics
Classification: Likely pathogenic for Bartter disease type 2. Last evaluated: 2024-04-04. Review status: criteria provided, single submitter. Criteria: ACMG Guidelines, 2015. Collection method: clinical testing. Allele origin: germline.

OMIM
Classification: Pathogenic for BARTTER SYNDROME, TYPE 2, ANTENATAL. Last evaluated: 1997-01-01. Review status: no assertion criteria provided. Collection method: literature only. Allele origin: germline. Not counted in ClinVar's aggregate classification.

Literature cited by the submitters: PubMed 9015377 (cited by Victorian Clinical Genetics Services, Murdoch Childrens Research Institute); PubMed 37197039 (cited by Victorian Clinical Genetics Services, Murdoch Childrens Research Institute and Women's Health and Genetics/Laboratory Corporation of America, LabCorp); PubMed 39862309 (cited by Victorian Clinical Genetics Services, Murdoch Childrens Research Institute); PubMed 9002665 (cited by Victorian Clinical Genetics Services, Murdoch Childrens Research Institute and OMIM); PubMed 12911542 (cited by Victorian Clinical Genetics Services, Murdoch Childrens Research Institute); PubMed 32251469 (cited by Women's Health and Genetics/Laboratory Corporation of America, LabCorp).